The following is an entry in ClinVar:

ClinVar aggregate classification (germline): Uncertain significance (1 of 4 stars; one submission).

Allele frequency attached by ClinVar (database versions not stated): TOPMed 0.00001; gnomAD exomes 0.00002; ExAC 0.00003; ESP Exome Variant Server 0.00008.

Submission:

Labcorp Genetics (formerly Invitae), Labcorp
Classification: Uncertain significance. Last evaluated: 2023-09-21. Review status: criteria provided, single submitter. Criteria: Invitae Variant Classification Sherloc (09022015). Collection method: clinical testing. Allele origin: germline.
Comment: An algorithm developed to predict the effect of missense changes on protein structure and function (PolyPhen-2) suggests that this variant is likely to be disruptive. This variant has not been reported in the literature in individuals affected with ADGRB2-related conditions. This variant is present in population databases (rs141867532, gnomAD 0.004%). This sequence change replaces leucine, which is neutral and non-polar, with isoleucine, which is neutral and non-polar, at codon 302 of the ADGRB2 protein (p.Leu302Ile). In summary, the available evidence is currently insufficient to determine the role of this variant in disease. Therefore, it has been classified as a Variant of Uncertain Significance.

NM_001364857.2(ADGRB2):c.904C>A (p.Leu302Ile)

Gene: ADGRB2 (adhesion G protein-coupled receptor B2; minus strand). Cytogenetic location: 1p35.2.
Variant type: single nucleotide variant.
Coding change: c.904C>A on transcript NM_001364857.2 (MANE Select); coding-DNA position 904, C replaced by A.
Protein change: p.Leu302Ile; replaces leucine 302 with isoleucine.
Molecular consequence: missense variant.
Genome position (GRCh38, 1-based): chr1:31,744,666, G>T on the plus strand (C>A on the coding strand, the complement: ADGRB2 is on the minus strand). VCF-style: chr1-31744666-G-T. GRCh37 (hg19) VCF-style: chr1-32210267-G-T.
Other names: c.904C>A, p.Leu302Ile (NM_001294335.2, NM_001294336.2, NM_001703.2); short protein forms L302I.
Identifiers: ClinVar variation 3006446 (VCV003006446.3), dbSNP rs141867532, ClinGen allele CA736049.
Genomic context (GRCh38, chr1:31,744,666, plus strand): 5'-TCGGGCCCCCGCCGCAGAGGAAGGGAGGCGGGCCCGAGTTACCTGTCTGCGCCATGTATA[G>T]CCCAGGCTCATCTGCAGACCTCGGCCACTGGGTTTTCACTTTCGGTTCCTCTTCCGGCTC-3'
Protein context (NP_001351786.1, residues 292-312): QWPRSADEPG[Leu302Ile]YMAQTGDPAA